The following is an entry in ClinVar:

NM_001142800.2(EYS):c.7059T>G (p.Asp2353Glu)

Gene: EYS (EGF-like photoreceptor maintenance factor; minus strand). Cytogenetic location: 6q12.
Variant type: single nucleotide variant.
Coding change: c.7059T>G on transcript NM_001142800.2 (MANE Select); coding-DNA position 7059, T replaced by G.
Protein change: p.Asp2353Glu; replaces aspartic acid 2353 with glutamic acid.
Molecular consequence: missense variant.
Genome position (GRCh38, 1-based): chr6:63,864,355, A>C on the plus strand (T>G on the coding strand, the complement: EYS is on the minus strand). VCF-style: chr6-63864355-A-C. GRCh37 (hg19) VCF-style: chr6-64574248-A-C.
Other names: c.7059T>G, p.Asp2353Glu (NM_001292009.2); short protein forms D2353E.
Identifiers: ClinVar variation 1414443 (VCV001414443.7), dbSNP rs771265979, ClinGen allele CA3876842.

ClinVar aggregate classification (germline): Uncertain significance (1 of 4 stars; one submission).

Allele frequency attached by ClinVar (database versions not stated): gnomAD exomes below 0.00001 and 0.00003; gnomAD 0.00001; TOPMed 0.00002; ExAC 0.00005.
gnomAD v4.1: 7 of 1,549,868 alleles (0.00045%); highest among the groups gnomAD compares: East Asian, 0.017%; no homozygotes.

Submission:

Labcorp Genetics (formerly Invitae), Labcorp
Classification: Uncertain significance. Last evaluated: 2024-10-16. Review status: criteria provided, single submitter. Criteria: Invitae Variant Classification Sherloc (09022015). Collection method: clinical testing. Allele origin: germline.
Comment: This sequence change replaces aspartic acid, which is acidic and polar, with glutamic acid, which is acidic and polar, at codon 2353 of the EYS protein (p.Asp2353Glu). This variant is present in population databases (rs771265979, gnomAD 0.05%). This variant has not been reported in the literature in individuals affected with EYS-related conditions. ClinVar contains an entry for this variant (Variation ID: 1414443). Invitae Evidence Modeling of protein sequence and biophysical properties (such as structural, functional, and spatial information, amino acid conservation, physicochemical variation, residue mobility, and thermodynamic stability) indicates that this missense variant is not expected to disrupt EYS protein function with a negative predictive value of 80%. In summary, the available evidence is currently insufficient to determine the role of this variant in disease. Therefore, it has been classified as a Variant of Uncertain Significance.